The following is an entry in ClinVar:

ClinVar aggregate classification (germline): Uncertain significance (1 of 4 stars; one submission).

Conditions:
Nephronophthisis 18 (NPHP18). Identifiers: Orphanet 655, MedGen C3890591, MONDO:0014374, OMIM 615862.

Submission:

Labcorp Genetics (formerly Invitae), Labcorp
Classification: Uncertain significance for Nephronophthisis 18. Last evaluated: 2021-02-21. Review status: criteria provided, single submitter. Criteria: Invitae Variant Classification Sherloc (09022015). Collection method: clinical testing. Allele origin: germline.
Comment: This sequence change replaces aspartic acid with glutamic acid at codon 206 of the CEP83 protein (p.Asp206Glu). The aspartic acid residue is highly conserved and there is a small physicochemical difference between aspartic acid and glutamic acid. This variant is not present in population databases (ExAC no frequency). This variant has not been reported in the literature in individuals with CEP83-related conditions. Algorithms developed to predict the effect of missense changes on protein structure and function output the following: SIFT: "Not Available"; PolyPhen-2: "Benign"; Align-GVGD: "Not Available". The glutamic acid amino acid residue is found in multiple mammalian species, suggesting that this missense change does not adversely affect protein function. These predictions have not been confirmed by published functional studies and their clinical significance is uncertain. In summary, the available evidence is currently insufficient to determine the role of this variant in disease. Therefore, it has been classified as a Variant of Uncertain Significance.

NM_016122.3(CEP83):c.618C>G (p.Asp206Glu)

Gene: CEP83 (centrosomal protein 83; minus strand). Cytogenetic location: 12q22.
Variant type: single nucleotide variant.
Coding change: c.618C>G on transcript NM_016122.3 (MANE Select); coding-DNA position 618, C replaced by G.
Protein change: p.Asp206Glu; replaces aspartic acid 206 with glutamic acid.
Molecular consequence: missense variant. On other transcripts: non-coding transcript variant (3).
Genome position (GRCh38, 1-based): chr12:94,378,974, G>C on the plus strand (C>G on the coding strand, the complement: CEP83 is on the minus strand). VCF-style: chr12-94378974-G-C. GRCh37 (hg19) VCF-style: chr12-94772750-G-C.
Other names: c.618C>G, p.Asp206Glu (NM_001042399.2, NM_001346457.2, NM_001346460.2 and 3 more transcripts); c.306C>G, p.Asp102Glu (NM_001346458.2, NM_001346459.2, NM_001346462.2 and 2 more transcripts); c.393C>G, p.Asp131Glu (NM_001368041.1); c.81C>G, p.Asp27Glu (NM_001368042.1); short protein forms D102E, D131E, D27E, D206E.
Identifiers: ClinVar variation 1433106 (VCV001433106.6), dbSNP rs2137174153, ClinGen allele CA386146987.